The following is an entry in ClinVar:

NM_006231.4(POLE):c.6340del (p.Leu2114fs)

Gene: POLE (DNA polymerase epsilon, catalytic subunit; minus strand). Cytogenetic location: 12q24.33.
Variant type: Deletion.
Coding change: c.6340del on transcript NM_006231.4 (MANE Select); coding-DNA position 6340, one base deleted (C; older notation c.6340delC).
Protein change: p.Leu2114fs; shifts the reading frame from leucine 2114.
Molecular consequence: frameshift variant.
Genome position (GRCh38, 1-based): chr12:132,626,308, G deleted on the plus strand (C on the coding strand, the reverse complement: POLE is on the minus strand); the first of 3 consecutive G bases (chr12:132,626,308-132,626,310); deleting any one gives the same sequence. VCF-style (leftmost placement, unchanged base first): chr12-132626307-AG-A. GRCh37 (hg19) VCF-style: chr12-133202893-AG-A.
Other names: short protein forms L2114fs.
Identifiers: ClinVar variation 4886483 (VCV004886483.2).
Genomic context (GRCh38, chr12:132,626,307, plus strand): 5'-TCCACCAGGCGAAGCAGGTCTCGGTTCAGCTTATTCACCTGGTTTGTGATGTTGGTGTCC[AG>A]GGACAGCACCTGCAGAGACCACAGCCCACATCGGGAAGGAGCTCCCGGGGCCTCCCTGCT-3'

ClinVar aggregate classification (germline): Likely pathogenic (1 of 4 stars; one submission).

Submission:

Dasa
Classification: Likely pathogenic. Last evaluated: 2026-01-09. Review status: criteria provided, single submitter. Criteria: DASA Assertion Criteria. Collection method: clinical testing. Allele origin: germline.
Comment: NM_006231.4(POLE):c.6340del (p.Leu2114Trpfs*9) is a frameshift variant in POLE predicted to alter the reading frame and introduce a premature termination codon and is predicted to result in an absent or altered protein product. Loss of function is an established disease mechanism for POLE-associated disorders. Also, this variant is rare in population databases. Based on the currently available evidence, this variant is classified as likely pathogenic.